The following is an entry in ClinVar:

ClinVar aggregate classification (germline): Likely pathogenic (1 of 4 stars; one submission).

Submission:

GeneDx
Classification: Likely pathogenic. Last evaluated: 2022-10-10. Review status: criteria provided, single submitter. Criteria: GeneDx Variant Classification Process June 2021. Collection method: clinical testing. Allele origin: germline. Affected: yes.
Comment: Nonsense variant predicted to result in protein truncation, as the last 55 amino acids are lost, and other loss-of-function variants have been reported downstream in HGMD; Not observed at significant frequency in large population cohorts (gnomAD); Has not been previously published as pathogenic or benign to our knowledge

NM_004463.3(FGD1):c.2719G>T (p.Glu907Ter)

Genes: FGD1 (FYVE, RhoGEF and PH domain containing 1; minus strand), TSR2 (TSR2 ribosome maturation factor; plus strand). Cytogenetic location: Xp11.22.
Variant type: single nucleotide variant.
Coding change: c.2719G>T on transcript NM_004463.3 (MANE Select); coding-DNA position 2719, G replaced by T.
Protein change: p.Glu907Ter; replaces glutamic acid 907 with a stop codon.
Molecular consequence: nonsense. On other transcripts: 3 prime UTR variant (5).
Genome position (GRCh38, 1-based): chrX:54,446,276, C>A on the plus strand (G>T on the coding strand, the complement: FGD1 is on the minus strand). VCF-style: chrX-54446276-C-A. GRCh37 (hg19) VCF-style: chrX-54472709-C-A.
Other names: c.*1726C>A (NM_001346789.2, NM_001346790.2, NM_001346791.2 and 2 more transcripts); short protein forms E907*.
Identifiers: ClinVar variation 426885 (VCV000426885.3), dbSNP rs1085307841, ClinGen allele CA413358026.